The following is an entry in ClinVar:

NM_001126108.2(SLC12A3):c.533C>G (p.Ser178Trp)

Gene: SLC12A3 (solute carrier family 12 member 3; plus strand). Cytogenetic location: 16q13.
Variant type: single nucleotide variant.
Coding change: c.533C>G on transcript NM_001126108.2 (MANE Select); coding-DNA position 533, C replaced by G.
Protein change: p.Ser178Trp; replaces serine 178 with tryptophan.
Molecular consequence: missense variant.
Genome position (GRCh38, 1-based): chr16:56,869,756, C>G. VCF-style: chr16-56869756-C-G. GRCh37 (hg19) VCF-style: chr16-56903668-C-G.
Other names: c.533C>G, p.Ser178Trp (NM_000339.3); c.530C>G, p.Ser177Trp (NM_001126107.2, NM_001410896.1); short protein forms S177W, S178W.
Identifiers: ClinVar variation 1993610 (VCV001993610.6), dbSNP rs772589653, ClinGen allele CA395980884.
Genomic context (GRCh38, chr16:56,869,756, plus strand): 5'-ATGCCCTGCCTAAGCTTTGGGTGCCCCCTGCAGTCCTGACCTGGATCATCATCCTGCTGT[C>G]GGTCACGGTGACCTCCATCACAGGCCTCTCCATCTCAGCCATCTCCACCAATGGCAAGGT-3'
Protein context (NP_001119580.2, residues 168-188): IVLTWIIILL[Ser178Trp]VTVTSITGLS

ClinVar aggregate classification (germline): Conflicting classifications of pathogenicity. Review status: criteria provided, conflicting classifications (1 of 4 stars). 2 submissions from 2 submitters: Likely pathogenic (1); Uncertain significance (1). Last evaluated 2025-07-31.

gnomAD v4.1: 1 of 1,614,160 alleles (0.000062%); highest among the groups gnomAD compares: Non-Finnish European, 0.000085%; no homozygotes.

Submissions (2):

Women's Health and Genetics/Laboratory Corporation of America, LabCorp
Classification: Uncertain significance. Last evaluated: 2025-07-31. Review status: criteria provided, single submitter. Criteria: LabCorp Variant Classification Summary - May 2015. Collection method: clinical testing. Allele origin: germline.
Comment: Variant summary: SLC12A3 c.533C>G (p.Ser178Trp) results in a non-conservative amino acid change located in the Amino acid permease/ SLC12A domain (IPR004841) of the encoded protein sequence. Algorithms developed to predict the effect of missense changes on protein structure and function all suggest that this variant is likely to be disruptive. The variant was absent in 251396 control chromosomes (gnomAD). The available data on variant occurrences in the general population are insufficient to allow any conclusion about variant significance. To our knowledge, no occurrence of c.533C>G in individuals affected with Familial Hypokalemia-Hypomagnesemia and no experimental evidence demonstrating its impact on protein function have been reported. A different variant affecting the same codon has been classified as pathogenic by our lab (c.533C>T, p.Ser178Leu), supporting the critical relevance of codon 178 to SLC12A3 protein function. ClinVar contains an entry for this variant (Variation ID: 1993610). Based on the evidence outlined above, the variant was classified as uncertain significance.

Labcorp Genetics (formerly Invitae), Labcorp
Classification: Likely pathogenic. Last evaluated: 2023-11-27. Review status: criteria provided, single submitter. Criteria: Invitae Variant Classification Sherloc (09022015). Collection method: clinical testing. Allele origin: germline.
Comment: This sequence change replaces serine, which is neutral and polar, with tryptophan, which is neutral and slightly polar, at codon 178 of the SLC12A3 protein (p.Ser178Trp). This variant is not present in population databases (gnomAD no frequency). This variant has not been reported in the literature in individuals affected with SLC12A3-related conditions. ClinVar contains an entry for this variant (Variation ID: 1993610). Advanced modeling of protein sequence and biophysical properties (such as structural, functional, and spatial information, amino acid conservation, physicochemical variation, residue mobility, and thermodynamic stability) performed at Invitae indicates that this missense variant is expected to disrupt SLC12A3 protein function with a positive predictive value of 95%. This variant disrupts the p.Ser178 amino acid residue in SLC12A3. Other variant(s) that disrupt this residue have been determined to be pathogenic (PMID: 11168953, 21415153, 28947054, 31672324). This suggests that this residue is clinically significant, and that variants that disrupt this residue are likely to be disease-causing. In summary, the currently available evidence indicates that the variant is pathogenic, but additional data are needed to prove that conclusively. Therefore, this variant has been classified as Likely Pathogenic.

Literature cited by the submitters: PubMed 11168953 (cited by Labcorp Genetics (formerly Invitae), Labcorp); PubMed 21415153 (cited by Labcorp Genetics (formerly Invitae), Labcorp); PubMed 28947054 (cited by Labcorp Genetics (formerly Invitae), Labcorp); PubMed 31672324 (cited by Labcorp Genetics (formerly Invitae), Labcorp).